The following is an entry in ClinVar:

NM_182914.3(SYNE2):c.418C>G (p.Leu140Val)

Gene: SYNE2 (spectrin repeat containing nuclear envelope protein 2; plus strand). Cytogenetic location: 14q23.2.
Variant type: single nucleotide variant.
Coding change: c.418C>G on transcript NM_182914.3 (MANE Select); coding-DNA position 418, C replaced by G.
Protein change: p.Leu140Val; replaces leucine 140 with valine.
Molecular consequence: missense variant.
Genome position (GRCh38, 1-based): chr14:63,949,834, C>G. VCF-style: chr14-63949834-C-G. GRCh37 (hg19) VCF-style: chr14-64416552-C-G.
Other names: c.418C>G, p.Leu140Val (NM_015180.6); short protein forms L140V.
Identifiers: ClinVar variation 313485 (VCV000313485.17), dbSNP rs761503203, ClinGen allele CA7219109.

ClinVar aggregate classification (germline): Conflicting classifications of pathogenicity. Review status: criteria provided, conflicting classifications (1 of 4 stars). 3 submissions from 3 submitters: Uncertain significance (2); Benign (1). Last evaluated 2024-07-21.

Conditions:
Emery-Dreifuss muscular dystrophy 5, autosomal dominant (EDMD5). Also called: EMERY-DREIFUSS MUSCULAR DYSTROPHY 5. Identifiers: Orphanet 261, MedGen C2751805, MONDO:0013072, OMIM 612999.

Allele frequency attached by ClinVar (database versions not stated): gnomAD exomes 0.00001 and 0.00003; ExAC 0.00002; TOPMed 0.00002.

Submissions (3):

Ambry Genetics
Classification: Uncertain significance. Last evaluated: 2024-07-21. Review status: criteria provided, single submitter. Criteria: Ambry Variant Classification Scheme 2023. Collection method: clinical testing. Allele origin: germline.

Labcorp Genetics (formerly Invitae), Labcorp
Classification: Uncertain significance for Emery-Dreifuss muscular dystrophy 5, autosomal dominant. Last evaluated: 2022-07-05. Review status: criteria provided, single submitter. Criteria: Invitae Variant Classification Sherloc (09022015). Collection method: clinical testing. Allele origin: germline.
Comment: In summary, the available evidence is currently insufficient to determine the role of this variant in disease. Therefore, it has been classified as a Variant of Uncertain Significance. Algorithms developed to predict the effect of missense changes on protein structure and function (SIFT, PolyPhen-2, Align-GVGD) all suggest that this variant is likely to be tolerated. ClinVar contains an entry for this variant (Variation ID: 313485). This variant has not been reported in the literature in individuals affected with SYNE2-related conditions. This variant is present in population databases (rs761503203, gnomAD 0.04%), and has an allele count higher than expected for a pathogenic variant. This sequence change replaces leucine, which is neutral and non-polar, with valine, which is neutral and non-polar, at codon 140 of the SYNE2 protein (p.Leu140Val).

Illumina Laboratory Services, Illumina
Classification: Benign for Emery-Dreifuss muscular dystrophy 5, autosomal dominant. Last evaluated: 2018-01-12. Review status: criteria provided, single submitter. Criteria: ICSL Variant Classification Criteria 13 December 2019. Collection method: clinical testing. Allele origin: germline.
Comment: This variant was observed in the ICSL laboratory as part of a predisposition screen in an ostensibly healthy population. It had not been previously curated by ICSL or reported in the Human Gene Mutation Database (HGMD: prior to June 1st, 2018), and was therefore a candidate for classification through an automated scoring system. Utilizing variant allele frequency, disease prevalence and penetrance estimates, and inheritance mode, an automated score was calculated to assess if this variant is too frequent to cause the disease. Based on the score and internal cut-off values, a variant classified as benign is not then subjected to further curation. The score for this variant resulted in a classification of benign for this disease.